The following is an entry in ClinVar:

NM_005035.4(POLRMT):c.1444_1455+6dup

Gene: POLRMT (RNA polymerase mitochondrial; minus strand). Cytogenetic location: 19p13.3.
Variant type: Duplication.
Coding change: c.1444_1455+6dup on transcript NM_005035.4 (MANE Select); coding-DNA position 1444 through 6 bases into the intron after coding-DNA position 1455, 18 bases duplicated (ATGCTCCTGCAGGTGCGT).
Molecular consequence: splice donor variant.
Genome position (GRCh38, 1-based): chr19:622,815-622,832, ACGCACCTGCAGGAGCAT duplicated on the plus strand (ATGCTCCTGCAGGTGCGT on the coding strand, the reverse complement: POLRMT is on the minus strand). VCF-style (leftmost placement, unchanged base first): chr19-622814-G-GACGCACCTGCAGGAGCAT. GRCh37 (hg19) VCF-style: chr19-622814-G-GACGCACCTGCAGGAGCAT.
Other names: c.1402_1413+6dup (NM_001407813.1, NM_001407811.1); c.1432_1443+6dup (NM_001407810.1, NM_001407807.1); c.1444_1455+6dup (NM_001407809.1, NM_001407806.1, NM_001407832.1 and 8 more transcripts); c.1120_1131+6dup (NM_001407834.1, NM_001407836.1, NM_001407835.1 and 2 more transcripts).
Identifiers: ClinVar variation 3905123 (VCV003905123.10).

ClinVar aggregate classification (germline): Likely benign (1 of 4 stars; one submission).

Submission:

CeGaT Center for Human Genetics Tuebingen
Classification: Likely benign. Last evaluated: 2025-05-01. Review status: criteria provided, single submitter. Criteria: CeGaT Center For Human Genetics Tuebingen Variant Classification Criteria Version 2. Collection method: clinical testing. Allele origin: germline. Affected: yes. Observed: 1 variant allele.
Comment: POLRMT: BP4, BS2